The following is an entry in ClinVar:

NM_017802.4(DNAAF5):c.1279G>T (p.Val427Phe)

Gene: DNAAF5 (dynein axonemal assembly factor 5; plus strand). Cytogenetic location: 7p22.3.
Variant type: single nucleotide variant.
Coding change: c.1279G>T on transcript NM_017802.4 (MANE Select); coding-DNA position 1279, G replaced by T.
Protein change: p.Val427Phe; replaces valine 427 with phenylalanine.
Molecular consequence: missense variant. On other transcripts: non-coding transcript variant (1).
Genome position (GRCh38, 1-based): chr7:756,803, G>T. VCF-style: chr7-756803-G-T. GRCh37 (hg19) VCF-style: chr7-796440-G-T.
Other names: short protein forms V427F.
Identifiers: ClinVar variation 657423 (VCV000657423.9), dbSNP rs372983996, ClinGen allele CA4110680.

ClinVar aggregate classification (germline): Uncertain significance. Review status: criteria provided, multiple submitters, no conflicts (2 of 4 stars). 2 submissions from 2 submitters: Uncertain significance (2). Last evaluated 2025-01-26.

Conditions:
Primary ciliary dyskinesia. Also called: Ciliary dyskinesia. Identifiers: Orphanet 244, MedGen C0008780, MONDO:0016575, HP:0012265.

Allele frequency attached by ClinVar (database versions not stated): ESP Exome Variant Server 0.00008; TOPMed 0.00016.

Submissions (2):

Ambry Genetics
Classification: Uncertain significance for Primary ciliary dyskinesia. Last evaluated: 2025-01-26. Review status: criteria provided, single submitter. Criteria: Ambry Variant Classification Scheme 2023. Collection method: clinical testing. Allele origin: germline.

Labcorp Genetics (formerly Invitae), Labcorp
Classification: Uncertain significance for Primary ciliary dyskinesia. Last evaluated: 2022-07-12. Review status: criteria provided, single submitter. Criteria: Invitae Variant Classification Sherloc (09022015). Collection method: clinical testing. Allele origin: germline.
Comment: ClinVar contains an entry for this variant (Variation ID: 657423). This variant has not been reported in the literature in individuals affected with DNAAF5-related conditions. This variant is present in population databases (rs372983996, gnomAD 0.04%). This sequence change replaces valine, which is neutral and non-polar, with phenylalanine, which is neutral and non-polar, at codon 427 of the DNAAF5 protein (p.Val427Phe). In summary, the available evidence is currently insufficient to determine the role of this variant in disease. Therefore, it has been classified as a Variant of Uncertain Significance. Algorithms developed to predict the effect of missense changes on protein structure and function are either unavailable or do not agree on the potential impact of this missense change (SIFT: "Deleterious"; PolyPhen-2: "Possibly Damaging"; Align-GVGD: "Class C0").